The following is an entry in ClinVar:

ClinVar aggregate classification (germline): Conflicting classifications of pathogenicity. Review status: criteria provided, conflicting classifications (1 of 4 stars). 4 submissions from 4 submitters: Uncertain significance (1); Likely benign (3). Last evaluated 2025-09-28.

Conditions:
Cardiovascular phenotype. Identifiers: MedGen CN230736.
Myofibrillar myopathy 4. Also called: Zaspopathy (type). Identifiers: Orphanet 98912, MedGen C4721886, MONDO:0012277, OMIM 609452.

Allele frequency attached by ClinVar (database versions not stated): ExAC 0.00001; gnomAD 0.00001; gnomAD exomes 0.00001 and 0.00002; TOPMed 0.00001.
gnomAD v4.1: 19 of 1,613,238 alleles (0.0012%); highest among the groups gnomAD compares: Admixed American, 0.0033%; no homozygotes.

Submissions (4):

Labcorp Genetics (formerly Invitae), Labcorp
Classification: Uncertain significance for Myofibrillar myopathy 4. Last evaluated: 2025-09-28. Review status: criteria provided, single submitter. Criteria: Invitae Variant Classification Sherloc (09022015). Collection method: clinical testing. Allele origin: germline.
Comment: This sequence change replaces serine, which is neutral and polar, with asparagine, which is neutral and polar, at codon 4 of the LDB3 protein (p.Ser4Asn). This variant is present in population databases (rs766405051, gnomAD 0.009%). This variant has not been reported in the literature in individuals affected with LDB3-related conditions. ClinVar contains an entry for this variant (Variation ID: 1179890). An algorithm developed to predict the effect of missense changes on protein structure and function (PolyPhen-2) suggests that this variant is likely to be tolerated. In summary, the available evidence is currently insufficient to determine the role of this variant in disease. Therefore, it has been classified as a Variant of Uncertain Significance.

Ambry Genetics
Classification: Likely benign for Cardiovascular phenotype. Last evaluated: 2024-01-09. Review status: criteria provided, single submitter. Criteria: Ambry Variant Classification Scheme 2023. Collection method: clinical testing. Allele origin: germline.

Blueprint Genetics
Classification: Likely benign. Last evaluated: 2020-08-24. Review status: criteria provided, single submitter. Criteria: ACMG Guidelines, 2015. Collection method: clinical testing. Allele origin: germline.

GeneDx
Classification: Likely benign. Last evaluated: 2020-03-05. Review status: criteria provided, single submitter. Criteria: GeneDx Variant Classification Process June 2021. Collection method: clinical testing. Allele origin: germline. Affected: yes.
Comment: Has not been previously published as pathogenic or benign to our knowledge; Not observed in large population cohorts (Lek et al., 2016); In silico analysis, which includes protein predictors and evolutionary conservation, supports that this variant does not alter protein structure/function

NM_007078.3(LDB3):c.11G>A (p.Ser4Asn)

Gene: LDB3 (LIM domain binding 3; plus strand). Cytogenetic location: 10q23.2.
Variant type: single nucleotide variant.
Coding change: c.11G>A on transcript NM_007078.3 (MANE Select); coding-DNA position 11, G replaced by A.
Protein change: p.Ser4Asn; replaces serine 4 with asparagine.
Molecular consequence: missense variant.
Genome position (GRCh38, 1-based): chr10:86,668,702, G>A. VCF-style: chr10-86668702-G-A. GRCh37 (hg19) VCF-style: chr10-88428459-G-A.
Other names: c.11G>A (NM_007078.2); c.11G>A, p.Ser4Asn (NM_001080114.2, NM_001080115.2, NM_001080116.1 and 8 more transcripts); short protein forms S4N.
Identifiers: ClinVar variation 1179890 (VCV001179890.12), dbSNP rs766405051, ClinGen allele CA5584560.